The following is an entry in ClinVar:

NM_006312.6(NCOR2):c.3612G>A (p.Pro1204=)

Gene: NCOR2 (nuclear receptor corepressor 2; minus strand). Cytogenetic location: 12q24.31.
Variant type: single nucleotide variant.
Coding change: c.3612G>A on transcript NM_006312.6 (MANE Select); coding-DNA position 3612, G replaced by A.
Protein change: p.Pro1204=; no amino-acid change (proline 1204 retained).
Molecular consequence: synonymous variant.
Genome position (GRCh38, 1-based): chr12:124,354,174, C>T on the plus strand (G>A on the coding strand, the complement: NCOR2 is on the minus strand). VCF-style: chr12-124354174-C-T. GRCh37 (hg19) VCF-style: chr12-124838720-C-T.
Other names: c.3582G>A, p.Pro1194= (NM_001077261.4, NM_001206654.2).
Identifiers: ClinVar variation 3044955 (VCV003044955.2), dbSNP rs2271143, ClinGen allele CA6868579.
Genomic context (GRCh38, chr12:124,354,174, plus strand): 5'-TGTGATGGCGCTGTCCGAGGGCACCCGTGTGCTGGGAATGCCTTTGGTGATGCTTCCGCC[C>T]GGAACTGAGCCCAGAGCTGTCCCTGGAAGACACAAGATGTGGGGCTGAGGGCGTGTCTGT-3'
Protein context (NP_006303.4, residues 1194-1214): VLRGTALGSV[Pro1204=]GGSITKGIPS

ClinVar aggregate classification (germline): Benign (0 of 4 stars; one submission).

Conditions:
NCOR2-related disorder. Also called: NCOR2-related condition.

Allele frequency attached by ClinVar (database versions not stated): 1000 Genomes Project 30x 0.00812; 1000 Genomes Project 0.00879.

Submission:

PreventionGenetics, part of Exact Sciences
Classification: Benign for NCOR2-related condition. Last evaluated: 2019-06-26. Review status: no assertion criteria provided. Collection method: clinical testing. Allele origin: germline.
Comment: This variant is classified as benign based on ACMG/AMP sequence variant interpretation guidelines (Richards et al. 2015 PMID: 25741868, with internal and published modifications).